The following is an entry in ClinVar:

NM_000179.3(MSH6):c.3057A>C (p.Ile1019=)

Gene: MSH6 (mutS homolog 6; plus strand). Cytogenetic location: 2p16.3.
Variant type: single nucleotide variant.
Coding change: c.3057A>C on transcript NM_000179.3 (MANE Select); coding-DNA position 3057, A replaced by C.
Protein change: p.Ile1019=; no amino-acid change (isoleucine 1019 retained).
Molecular consequence: synonymous variant. On other transcripts: non-coding transcript variant (5), intron variant (2).
Genome position (GRCh38, 1-based): chr2:47,801,040, A>C. VCF-style: chr2-47801040-A-C. GRCh37 (hg19) VCF-style: chr2-48028179-A-C.
Other names: c.2667A>C, p.Ile889= (NM_001281492.2); c.2151A>C, p.Ile717= (NM_001281493.2, NM_001281494.2, NM_001406811.1 and 6 more transcripts); c.3153A>C, p.Ile1051= (NM_001406795.1, NM_001406802.1); c.3057A>C, p.Ile1019= (NM_001406796.1, NM_001406798.1, NM_001406800.1 and 2 more transcripts); c.2760A>C, p.Ile920= (NM_001406797.1, NM_001406801.1, NM_001406805.1 and 10 more transcripts); c.2532A>C, p.Ile844= (NM_001406799.1, NM_001406806.1, NM_001406807.1); c.2979A>C, p.Ile993= (NM_001406804.1); c.3063A>C, p.Ile1021= (NM_001406813.1); and 4 more.
Identifiers: ClinVar variation 3904315 (VCV003904315.1).
Genomic context (GRCh38, chr2:47,801,040, plus strand): 5'-CAAGAAGGGCTGTAAACGATACTGGACCAAAACTATTGAAAAGAAGTTGGCTAATCTCAT[A>C]AATGCTGAAGAACGGAGGGATGTATCATTGAAGGACTGCATGCGGCGACTGTTCTATAAC-3'
Protein context (NP_000170.1, residues 1009-1029): KTIEKKLANL[Ile1019=]NAEERRDVSL

ClinVar aggregate classification (germline): Benign (1 of 4 stars; one submission).

Conditions:
Lynch syndrome 5 (LYNCH5). Also called: Colorectal cancer, hereditary nonpolyposis, type 5; Hereditary non-polyposis colorectal cancer, type 5. Identifiers: Orphanet 144, MedGen C1833477, MONDO:0013710, OMIM 614350. Disease mechanism: loss of function.

Submission:

Myriad Genetics, Inc.
Classification: Benign for Lynch syndrome 5. Last evaluated: 2025-01-02. Review status: criteria provided, single submitter. Criteria: Myriad Autosomal Dominant, Autosomal Recessive and X-Linked Classification Criteria (2023). Collection method: clinical testing. Allele origin: unknown.
Comment: This variant is considered benign. This variant is a silent/synonymous amino acid change and it is not expected to impact splicing.